The following is an entry in ClinVar:

ClinVar aggregate classification (germline): Uncertain significance (1 of 4 stars; one submission).

Conditions:
Inborn genetic diseases. Identifiers: MedGen C0950123, MeSH D030342.

Submission:

Ambry Genetics
Classification: Uncertain significance for Inborn genetic diseases. Last evaluated: 2026-07-13. Review status: criteria provided, single submitter. Criteria: Ambry Variant Classification Scheme 2023. Collection method: clinical testing. Allele origin: germline.
Comment: The p.D820E variant (also known as c.2460T>G), located in coding exon 13 of the ASXL1 gene, results from a T to G substitution at nucleotide position 2460. The aspartic acid at codon 820 is replaced by glutamic acid, an amino acid with highly similar properties. This amino acid position is conserved. In addition, this alteration is predicted to be tolerated by in silico analysis. Based on the available evidence, the clinical significance of this variant remains unclear.

NM_015338.6(ASXL1):c.2460T>G (p.Asp820Glu)

Gene: ASXL1 (ASXL transcriptional regulator 1; plus strand). Cytogenetic location: 20q11.21.
Variant type: single nucleotide variant.
Coding change: c.2460T>G on transcript NM_015338.6 (MANE Select); coding-DNA position 2460, T replaced by G.
Protein change: p.Asp820Glu; replaces aspartic acid 820 with glutamic acid.
Molecular consequence: missense variant.
Genome position (GRCh38, 1-based): chr20:32,435,172, T>G. VCF-style: chr20-32435172-T-G. GRCh37 (hg19) VCF-style: chr20-31022975-T-G.
Other names: c.2277T>G, p.Asp759Glu (NM_001363734.1); short protein forms D759E, D820E.
Identifiers: ClinVar variation 5029902 (VCV005029902.1).